The following is an entry in ClinVar:

NM_002471.4(MYH6):c.5687C>T (p.Ser1896Phe)

Gene: MYH6 (myosin heavy chain 6; minus strand). Cytogenetic location: 14q11.2.
Variant type: single nucleotide variant.
Coding change: c.5687C>T on transcript NM_002471.4 (MANE Select); coding-DNA position 5687, C replaced by T.
Protein change: p.Ser1896Phe; replaces serine 1896 with phenylalanine.
Molecular consequence: missense variant.
Genome position (GRCh38, 1-based): chr14:23,382,537, G>A on the plus strand (C>T on the coding strand, the complement: MYH6 is on the minus strand). VCF-style: chr14-23382537-G-A. GRCh37 (hg19) VCF-style: chr14-23851746-G-A.
Other names: short protein forms S1896F.
Identifiers: ClinVar variation 810746 (VCV000810746.10), dbSNP rs1209697861, ClinGen allele CA388981834.

ClinVar aggregate classification (germline): Uncertain significance. Review status: criteria provided, multiple submitters, no conflicts (2 of 4 stars). 2 submissions from 2 submitters: Uncertain significance (2). Last evaluated 2024-02-20.

Conditions:
Hypertrophic cardiomyopathy 14. Identifiers: MedGen C2750467, MONDO:0013197, OMIM 613251.

Allele frequency attached by ClinVar (database versions not stated): gnomAD exomes below 0.00001; TOPMed below 0.00001.

Submissions (2):

Labcorp Genetics (formerly Invitae), Labcorp
Classification: Uncertain significance for Hypertrophic cardiomyopathy 14. Last evaluated: 2024-02-20. Review status: criteria provided, single submitter. Criteria: Invitae Variant Classification Sherloc (09022015). Collection method: clinical testing. Allele origin: germline.
Comment: This sequence change replaces serine, which is neutral and polar, with phenylalanine, which is neutral and non-polar, at codon 1896 of the MYH6 protein (p.Ser1896Phe). This variant is present in population databases (no rsID available, gnomAD 0.0009%). This variant has not been reported in the literature in individuals affected with MYH6-related conditions. ClinVar contains an entry for this variant (Variation ID: 810746). Advanced modeling of protein sequence and biophysical properties (such as structural, functional, and spatial information, amino acid conservation, physicochemical variation, residue mobility, and thermodynamic stability) performed at Invitae indicates that this missense variant is expected to disrupt MYH6 protein function with a positive predictive value of 80%. In summary, the available evidence is currently insufficient to determine the role of this variant in disease. Therefore, it has been classified as a Variant of Uncertain Significance.

Agnes Ginges Centre for Molecular Cardiology, Centenary Institute
Classification: Uncertain significance for Hypertrophic cardiomyopathy 14. Last evaluated: 2018-10-16. Review status: criteria provided, single submitter. Criteria: ACMG Guidelines, 2015. Collection method: research. Allele origin: germline. Inheritance: Autosomal dominant inheritance. Affected: yes.
Comment: The MYH6 Ser1896Phe is a novel and rare variant. It is absent in the Genome Aggregation Database. Computational tools SIFT, PolyPhen-2 and MutationTaster predict this variant to be deleterious. In summary, based on rarity in general populations and our limited familial data, we classify MYH6 Ser1896Phe as a variant of "uncertain significance".